The following is an entry in ClinVar:

ClinVar aggregate classification (germline): Likely pathogenic (1 of 4 stars; one submission).

Conditions:
FSIP2-related disorder. Also called: FSIP2-related condition.

Submission:

PreventionGenetics, part of Exact Sciences
Classification: Likely pathogenic for FSIP2-related condition. Last evaluated: 2025-06-04. Review status: criteria provided, single submitter. Criteria: ACMG Guidelines, 2015. Collection method: clinical testing. Allele origin: germline.
Comment: The FSIP2 c.895dupA variant is predicted to result in a frameshift and premature protein termination (p.Met299Asnfs*14). To our knowledge, this variant has not been reported in the literature. This variant is reported in 0.013% of alleles in individuals of South Asian descent in gnomAD. Frameshift variants in FSIP2 are expected to be pathogenic. This variant is interpreted as likely pathogenic.

NM_173651.4(FSIP2):c.895dup (p.Met299fs)

Gene: FSIP2 (fibrous sheath interacting protein 2; plus strand). Cytogenetic location: 2q32.1.
Variant type: Duplication.
Coding change: c.895dup on transcript NM_173651.4 (MANE Select); coding-DNA position 895, one base duplicated (A; older notation c.895dupA).
Protein change: p.Met299fs; shifts the reading frame from methionine 299.
Molecular consequence: frameshift variant.
Genome position (GRCh38, 1-based): chr2:185,753,746, A duplicated; the last of 7 consecutive A bases (chr2:185,753,740-185,753,746); duplicating any one gives the same sequence. VCF-style (leftmost placement, unchanged base first): chr2-185753739-G-GA. GRCh37 (hg19) VCF-style: chr2-186618466-G-GA.
Other names: short protein forms M299fs.
Identifiers: ClinVar variation 4986738 (VCV004986738.1).